The following is an entry in ClinVar:

ClinVar aggregate classification (germline): Uncertain significance (1 of 4 stars; one submission).

Allele frequency attached by ClinVar (database versions not stated): gnomAD exomes below 0.00001.
gnomAD v4.1: 1 of 1,612,628 alleles (0.000062%); highest among the groups gnomAD compares: Non-Finnish European, 0.000085%; no homozygotes.

Submission:

Labcorp Genetics (formerly Invitae), Labcorp
Classification: Uncertain significance. Last evaluated: 2022-03-28. Review status: criteria provided, single submitter. Criteria: Invitae Variant Classification Sherloc (09022015). Collection method: clinical testing. Allele origin: germline.
Comment: In summary, the available evidence is currently insufficient to determine the role of this variant in disease. Therefore, it has been classified as a Variant of Uncertain Significance. This sequence change replaces cysteine, which is neutral and slightly polar, with glycine, which is neutral and non-polar, at codon 740 of the RASA2 protein (p.Cys740Gly). Algorithms developed to predict the effect of sequence changes on RNA splicing suggest that this variant may create or strengthen a splice site. Algorithms developed to predict the effect of missense changes on protein structure and function are either unavailable or do not agree on the potential impact of this missense change (SIFT: "Tolerated"; PolyPhen-2: "Probably Damaging"; Align-GVGD: "Class C0"). This variant has not been reported in the literature in individuals affected with RASA2-related conditions. This variant is not present in population databases (gnomAD no frequency).

NM_006506.5(RASA2):c.2218T>G (p.Cys740Gly)

Gene: RASA2 (RAS p21 protein activator 2; plus strand). Cytogenetic location: 3q23.
Variant type: single nucleotide variant.
Coding change: c.2218T>G on transcript NM_006506.5 (MANE Select); coding-DNA position 2218, T replaced by G.
Protein change: p.Cys740Gly; replaces cysteine 740 with glycine.
Molecular consequence: missense variant.
Genome position (GRCh38, 1-based): chr3:141,608,690, T>G. VCF-style: chr3-141608690-T-G. GRCh37 (hg19) VCF-style: chr3-141327532-T-G.
Other names: c.2221T>G, p.Cys741Gly (NM_001303245.3); c.2230T>G, p.Cys744Gly (NM_001303246.3); short protein forms C741G, C744G, C740G.
Identifiers: ClinVar variation 2118674 (VCV002118674.4), dbSNP rs2478874041, ClinGen allele CA354775404.
Genomic context (GRCh38, chr3:141,608,690, plus strand): 5'-CTGAACGGAAATTGGCTCTGCTGTCAGGAGACTGGTGAAAACACTCTCGGCTGCAAGCCA[T>G]GTACTGCGTAAGTTTCTTTCTGATTATAAAAGCAGTGTGTCAAAATTTGATATATCCATG-3'
Protein context (NP_006497.2, residues 730-750): TGENTLGCKP[Cys740Gly]TAGVPADIQI